The following is an entry in ClinVar:

ClinVar aggregate classification (germline): Uncertain significance (1 of 4 stars; one submission).

Conditions:
Inborn genetic diseases. Identifiers: MedGen C0950123, MeSH D030342.

Submission:

Ambry Genetics
Classification: Uncertain significance for Inborn genetic diseases. Last evaluated: 2024-09-12. Review status: criteria provided, single submitter. Criteria: Ambry Variant Classification Scheme 2023. Collection method: clinical testing. Allele origin: germline.
Comment: The p.L367Q variant (also known as c.1100T>A), located in coding exon 9 of the EPAS1 gene, results from a T to A substitution at nucleotide position 1100. The leucine at codon 367 is replaced by glutamine, an amino acid with dissimilar properties. This amino acid position is conserved. In addition, this alteration is predicted to be tolerated by in silico analysis. Based on the available evidence, the clinical significance of this variant remains unclear.

NM_001430.5(EPAS1):c.1100T>A (p.Leu367Gln)

Gene: EPAS1 (endothelial PAS domain protein 1; plus strand). Cytogenetic location: 2p21.
Variant type: single nucleotide variant.
Coding change: c.1100T>A on transcript NM_001430.5 (MANE Select); coding-DNA position 1100, T replaced by A.
Protein change: p.Leu367Gln; replaces leucine 367 with glutamine.
Molecular consequence: missense variant.
Genome position (GRCh38, 1-based): chr2:46,376,604, T>A. VCF-style: chr2-46376604-T-A. GRCh37 (hg19) VCF-style: chr2-46603743-T-A.
Other names: short protein forms L367Q.
Identifiers: ClinVar variation 3508919 (VCV003508919.1).